The following is an entry in ClinVar:

NM_004304.5(ALK):c.2816-7T>C

Gene: ALK (ALK receptor tyrosine kinase; minus strand). Cytogenetic location: 2p23.2.
Variant type: single nucleotide variant.
Coding change: c.2816-7T>C on transcript NM_004304.5 (MANE Select); 7 bases into the intron before coding-DNA position 2816, T replaced by C.
Molecular consequence: intron variant.
Genome position (GRCh38, 1-based): chr2:29,227,679, A>G on the plus strand (T>C on the coding strand, the complement: ALK is on the minus strand). VCF-style: chr2-29227679-A-G. GRCh37 (hg19) VCF-style: chr2-29450545-A-G.
Identifiers: ClinVar variation 239815 (VCV000239815.13), dbSNP rs755251438, ClinGen allele CA1594172.
Genomic context (GRCh38, chr2:29,227,679, plus strand): 5'-AAACCCCATCTTCCCCATCCATTTCGGGGTCATTGTTTGAGGCTGCATTGCCGCCTGAGT[A>G]GCAAACCAGAGCAGAGTTTAACATGGGGGGTGGGTGCCAAAATCTTAACACACACACACG-3'

ClinVar aggregate classification (germline): Likely benign. Review status: criteria provided, multiple submitters, no conflicts (2 of 4 stars). 3 submissions from 3 submitters: Likely benign (3). Last evaluated 2026-01-19.

Conditions:
Neuroblastoma, susceptibility to, 3. Also called: ALK-Related Neuroblastic Tumor Susceptibility. Identifiers: Orphanet 635, MedGen C2751681, MONDO:0013083, OMIM 613014.

Allele frequency attached by ClinVar (database versions not stated): gnomAD exomes below 0.00001; ExAC 0.00001.
gnomAD v4.1: 6 of 1,611,526 alleles (0.00037%); highest among the groups gnomAD compares: East Asian, 0.0022%; no homozygotes.

Submissions (3):

Labcorp Genetics (formerly Invitae), Labcorp
Classification: Likely benign for Neuroblastoma, susceptibility to, 3. Last evaluated: 2026-01-19. Review status: criteria provided, single submitter. Criteria: Invitae Variant Classification Sherloc (09022015). Collection method: clinical testing. Allele origin: germline.

Blueprint Genetics
Classification: Likely benign. Last evaluated: 2020-09-08. Review status: criteria provided, single submitter. Criteria: ACMG Guidelines, 2015. Collection method: clinical testing. Allele origin: germline.

GeneDx
Classification: Likely benign. Last evaluated: 2018-08-02. Review status: criteria provided, single submitter. Criteria: GeneDx Variant Classification Process June 2021. Collection method: clinical testing. Allele origin: germline. Affected: yes.
Comment: See Variant Classification Assertion Criteria.